The following is an entry in ClinVar:

ClinVar aggregate classification (germline): Uncertain significance (1 of 4 stars; one submission).

Conditions:
Long QT syndrome (LQTS). Identifiers: MedGen C0023976, MeSH D008133, MONDO:0002442. Disease mechanism: loss of function. Inheritance: Various modes of inheritance.

Submission:

Labcorp Genetics (formerly Invitae), Labcorp
Classification: Uncertain significance for Long QT syndrome. Last evaluated: 2024-12-05. Review status: criteria provided, single submitter. Criteria: Invitae Variant Classification Sherloc (09022015). Collection method: clinical testing. Allele origin: germline.
Comment: This sequence change replaces glutamic acid, which is acidic and polar, with lysine, which is basic and polar, at codon 2346 of the ANK2 protein (p.Glu2346Lys). This variant is not present in population databases (gnomAD no frequency). This variant has not been reported in the literature in individuals affected with ANK2-related conditions. An algorithm developed to predict the effect of missense changes on protein structure and function outputs the following: PolyPhen-2: "Benign". The lysine amino acid residue is found in multiple mammalian species, which suggests that this missense change does not adversely affect protein function. In summary, the available evidence is currently insufficient to determine the role of this variant in disease. Therefore, it has been classified as a Variant of Uncertain Significance.

NM_001148.6(ANK2):c.7036G>A (p.Glu2346Lys)

Genes: ANK2 (ankyrin 2; plus strand), LOC126807137 (CDK7 strongly-dependent group 2 enhancer GRCh37_chr4:114276560-114277759; plus strand). Cytogenetic location: 4q26.
Variant type: single nucleotide variant.
Coding change: c.7036G>A on transcript NM_001148.6 (MANE Select); coding-DNA position 7036, G replaced by A.
Protein change: p.Glu2346Lys; replaces glutamic acid 2346 with lysine.
Molecular consequence: missense variant. On other transcripts: intron variant (68).
Genome position (GRCh38, 1-based): chr4:113,355,654, G>A. VCF-style: chr4-113355654-G-A. GRCh37 (hg19) VCF-style: chr4-114276810-G-A.
Other names: c.6802G>A, p.Glu2268Lys (NM_001386142.1); c.3436G>A, p.Glu1146Lys (NM_001386166.1); c.7177G>A, p.Glu2393Lys (NM_001386174.1); c.7153G>A, p.Glu2385Lys (NM_001386175.1); c.4412-5169G>A (NM_001386186.2, NM_001386148.2); c.4214-5169G>A (NM_001354269.3); c.4292-5169G>A (NM_001386187.2); c.4253-5169G>A (NM_001386147.1); and 35 more; short protein forms E2346K, E2385K, E2393K, E1146K, E2268K.
Identifiers: ClinVar variation 3690099 (VCV003690099.2).